The following is an entry in ClinVar:

NM_012431.3(SEMA3E):c.80A>C (p.Asp27Ala)

Gene: SEMA3E (semaphorin 3E; minus strand). Cytogenetic location: 7q21.11.
Variant type: single nucleotide variant.
Coding change: c.80A>C on transcript NM_012431.3 (MANE Select); coding-DNA position 80, A replaced by C.
Protein change: p.Asp27Ala; replaces aspartic acid 27 with alanine.
Molecular consequence: missense variant.
Genome position (GRCh38, 1-based): chr7:83,648,463, T>G on the plus strand (A>C on the coding strand, the complement: SEMA3E is on the minus strand). VCF-style: chr7-83648463-T-G. GRCh37 (hg19) VCF-style: chr7-83277779-T-G.
Other names: short protein forms D27A.
Identifiers: ClinVar variation 2632436 (VCV002632436.1), dbSNP rs2484313722, ClinGen allele CA368021164.

ClinVar aggregate classification (germline): Uncertain significance (1 of 4 stars; one submission).

Conditions:
SEMA3E-related disorder. Also called: SEMA3E-related condition.

Submission:

PreventionGenetics, part of Exact Sciences
Classification: Uncertain significance for SEMA3E-related condition. Last evaluated: 2023-07-06. Review status: criteria provided, single submitter. Criteria: ACMG Guidelines, 2015. Collection method: clinical testing. Allele origin: germline.
Comment: The SEMA3E c.80A>C variant is predicted to result in the amino acid substitution p.Asp27Ala. To our knowledge, this variant has not been reported in the literature or in a large population database, indicating this variant is rare. At this time, the clinical significance of this variant is uncertain due to the absence of conclusive functional and genetic evidence.